The following is an entry in ClinVar:

ClinVar aggregate classification (germline): Pathogenic/Likely pathogenic. Review status: criteria provided, multiple submitters, no conflicts (2 of 4 stars). 6 submissions from 6 submitters: Pathogenic (3); Likely pathogenic (1). 2 of the submissions do not count toward it. Last evaluated 2026-03-24.

Conditions:
Joubert syndrome 28 (JBTS28). Identifiers: MedGen C4310705, MONDO:0014928, OMIM 617121.
Meckel syndrome, type 1 (MKS1). Also called: MECKEL-GRUBER SYNDROME, TYPE 1. Identifiers: Orphanet 564, MedGen C3714506, MONDO:0009571, OMIM 249000.
Bardet-Biedl syndrome 13 (BBS13). Identifiers: Orphanet 110, MedGen C2673873, MONDO:0014441, OMIM 615990.
Joubert syndrome. Also called: JOUBERT-BOLTSHAUSER SYNDROME; Familial aplasia of the vermis. Identifiers: Orphanet 475, MedGen C5979921, MONDO:0018772.
Meckel-Gruber syndrome. Also called: Dysencephalia splachnocystica; GRUBER SYNDROME; DYSENCEPHALIA SPLANCHNOCYSTICA. Identifiers: Orphanet 564, MedGen C0265215, MONDO:0018921.

Allele frequency attached by ClinVar (database versions not stated): gnomAD exomes 0.00001.

Submissions (6):

GeneDx
Classification: Likely pathogenic. Last evaluated: 2026-03-24. Review status: criteria provided, single submitter. Criteria: GeneDx Variant Classification Process June 2021. Collection method: clinical testing. Allele origin: germline.
Comment: Observed with a second MKS1 variant on the opposite allele (in trans) in a patient diagnosed with Meckel syndrome (PMID: 16415886); Frameshift variant predicted to result in protein truncation or nonsense mediated decay in a gene for which loss of function is a known mechanism of disease; Not observed at significant frequency in large population cohorts (gnomAD); This variant is associated with the following publications: (PMID: 31964843, 16415886, 19466712)

Natera, Inc.
Classification: Pathogenic for Meckel syndrome type 1. Last evaluated: 2025-02-04. Review status: criteria provided, single submitter. Criteria: Natera Variant Classification Schema (03/2026). Collection method: clinical testing. Allele origin: germline.
Comment: The c.51_55dupCCGGG variant in MKS1 is a frameshift variant predicted to shift the reading frame beginning at codon 19 and leads to a stop codon 36 codons downstream. This variant is expected to result in nonsense mediated decay, truncation, or a dysfunctional protein product. This variant is rare in the general population with a frequency below the threshold expected for the associated phenotype(s). This variant has been observed in one or more individuals affected with the associated recessive disease, as either homozygous or compound heterozygous with a second variant (PMID: 16415886). Given the available evidence, this variant is classified as Pathogenic.

Labcorp Genetics (formerly Invitae), Labcorp
Classification: Pathogenic for Joubert syndrome; Meckel-Gruber syndrome. Last evaluated: 2025-01-27. Review status: criteria provided, single submitter. Criteria: Invitae Variant Classification Sherloc (09022015). Collection method: clinical testing. Allele origin: germline.
Comment: This sequence change creates a premature translational stop signal (p.Asp19Alafs*36) in the MKS1 gene. It is expected to result in an absent or disrupted protein product. Loss-of-function variants in MKS1 are known to be pathogenic (PMID: 19466712, 24886560, 26490104). This variant is present in population databases (rs386834051, gnomAD 0.002%). This premature translational stop signal has been observed in individual(s) with Meckel syndrome (PMID: 16415886). This variant is also known as 50insCCGGG, P17fsX163. ClinVar contains an entry for this variant (Variation ID: 56625). Algorithms developed to predict the effect of sequence changes on RNA splicing suggest that this variant may disrupt the consensus splice site. For these reasons, this variant has been classified as Pathogenic.

Baylor Genetics
Classification: Pathogenic for Bardet-Biedl syndrome 13. Last evaluated: 2024-03-05. Review status: criteria provided, single submitter. Criteria: ACMG Guidelines, 2015. Collection method: clinical testing. Allele origin: unknown.

Counsyl
Classification: Likely pathogenic for Meckel syndrome, type 1; Bardet-Biedl syndrome 13; Joubert syndrome 28. Last evaluated: 2018-02-13. Review status: no assertion criteria provided. Collection method: clinical testing. Allele origin: unknown. Not counted in ClinVar's aggregate classification.

Juha Muilu Group; Institute for Molecular Medicine Finland (FIMM)
Classification: Likely pathogenic for Meckel syndrome type1. Review status: no assertion criteria provided. Collection method: not provided. Allele origin: unknown. Not counted in ClinVar's aggregate classification.
Comment: FinDis database variant: This variant was not found or characterized by our laboratory, data were collected from public sources: see reference
ClinVar note: Converted during submission from probable-pathogenic to Likely pathogenic.

Literature cited by the submitters: PubMed 16415886 (cited by 3 submitters); PubMed 19466712 (cited by Labcorp Genetics (formerly Invitae), Labcorp); PubMed 24886560 (cited by Labcorp Genetics (formerly Invitae), Labcorp); PubMed 26490104 (cited by Labcorp Genetics (formerly Invitae), Labcorp).

NM_017777.4(MKS1):c.51_55dup (p.Asp19fs)

Genes: MKS1 (MKS transition zone complex subunit 1; minus strand), LOC130061271 (ATAC-STARR-seq lymphoblastoid active region 12461; plus strand). Cytogenetic location: 17q22.
Variant type: Duplication.
Coding change: c.51_55dup on transcript NM_017777.4 (MANE Select); coding-DNA positions 51 to 55, 5 bases duplicated (CCGGG; older notation c.51_55dupCCGGG).
Protein change: p.Asp19fs; shifts the reading frame from aspartic acid 19.
Molecular consequence: frameshift variant. On other transcripts: 5 prime UTR variant (1).
Genome position (GRCh38, 1-based): chr17:58,219,176-58,219,180, CCCGG duplicated on the plus strand (CCGGG on the coding strand, the reverse complement: MKS1 is on the minus strand). VCF-style (leftmost placement, unchanged base first): chr17-58219175-T-TCCCGG. GRCh37 (hg19) VCF-style: chr17-56296536-T-TCCCGG.
Other names: c.51_55dupCCGGG (NM_017777.3); c.51_55dup (NM_017777.3); c.51_55dup5 (NM_017777.3); c.-461_-457dup (NM_001321268.2); c.51_55dup, p.Asp19fs (NM_001321269.2, NM_001330397.2); short protein forms D19fs.
Identifiers: ClinVar variation 56625 (VCV000056625.11), dbSNP rs386834051, ClinGen allele CA344763.